The following is an entry in ClinVar:

ClinVar aggregate classification (germline): Uncertain significance (1 of 4 stars; one submission).

gnomAD v4.1: 1 of 1,612,924 alleles (0.000062%); highest among the groups gnomAD compares: Non-Finnish European, 0.000085%; no homozygotes.

Submission:

GeneDx
Classification: Uncertain significance. Last evaluated: 2024-08-07. Review status: criteria provided, single submitter. Criteria: GeneDx Variant Classification Process June 2021. Collection method: clinical testing. Allele origin: germline. Affected: yes.
Comment: Not observed at significant frequency in large population cohorts (gnomAD); Missense variants in this gene are a common cause of disease and they are underrepresented in the general population; In silico analysis indicates that this missense variant does not alter protein structure/function; Has not been previously published as pathogenic or benign to our knowledge

NM_024301.5(FKRP):c.1470T>A (p.Ser490Arg)

Gene: FKRP (fukutin related protein; plus strand). Cytogenetic location: 19q13.32.
Variant type: single nucleotide variant.
Coding change: c.1470T>A on transcript NM_024301.5 (MANE Select); coding-DNA position 1470, T replaced by A.
Protein change: p.Ser490Arg; replaces serine 490 with arginine.
Molecular consequence: missense variant.
Genome position (GRCh38, 1-based): chr19:46,756,920, T>A. VCF-style: chr19-46756920-T-A. GRCh37 (hg19) VCF-style: chr19-47260177-T-A.
Other names: c.1470T>A, p.Ser490Arg (NM_001039885.3); short protein forms S490R.
Identifiers: ClinVar variation 3603139 (VCV003603139.1).
Genomic context (GRCh38, chr19:46,756,920, plus strand): 5'-GCTCAAGTTCGGGCCCGGGGTCATCGAGAACCCCCAGTACCCCAACCCGGCACTGCTGAG[T>A]CTGACGGGAAGCGGCTGAAGCCCTGATAACCTCGCCTTTGTTTTTCGGGGGTCTGTCTGG-3'
Protein context (NP_077277.1, residues 480-495): NPQYPNPALL[Ser490Arg]LTGSG